The following is an entry in ClinVar:

NM_001042492.3(NF1):c.4847G>T (p.Gly1616Val)

Gene: NF1 (neurofibromin 1; plus strand). Cytogenetic location: 17q11.2.
Variant type: single nucleotide variant.
Coding change: c.4847G>T on transcript NM_001042492.3 (MANE Select); coding-DNA position 4847, G replaced by T.
Protein change: p.Gly1616Val; replaces glycine 1616 with valine.
Molecular consequence: missense variant.
Genome position (GRCh38, 1-based): chr17:31,325,831, G>T. VCF-style: chr17-31325831-G-T. GRCh37 (hg19) VCF-style: chr17-29652849-G-T.
Other names: c.4784G>T, p.Gly1595Val (NM_000267.4); short protein forms G1595V, G1616V.
Identifiers: ClinVar variation 3237801 (VCV003237801.1), dbSNP rs1597829516.

ClinVar aggregate classification (germline): Uncertain significance (1 of 4 stars; one submission).

Conditions:
Hereditary cancer-predisposing syndrome. Also called: Neoplastic Syndromes, Hereditary; Tumor predisposition; Hereditary neoplastic syndrome; Hereditary Cancer Syndrome. Identifiers: Orphanet 140162, MedGen C0027672, MeSH D009386, MONDO:0015356.
Cardiovascular phenotype. Identifiers: MedGen CN230736.

Submission:

Ambry Genetics
Classification: Uncertain significance for Cardiovascular phenotype; Hereditary cancer-predisposing syndrome. Last evaluated: 2024-01-13. Review status: criteria provided, single submitter. Criteria: Ambry Variant Classification Scheme 2023. Collection method: clinical testing. Allele origin: germline.
Comment: The p.G1595V variant (also known as c.4784G>T), located in coding exon 36 of the NF1 gene, results from a G to T substitution at nucleotide position 4784. The glycine at codon 1595 is replaced by valine, an amino acid with dissimilar properties. This amino acid position is conserved. In addition, this alteration is predicted to be deleterious by in silico analysis. Since supporting evidence is limited at this time, the clinical significance of this alteration remains unclear.